The following is an entry in ClinVar:

NM_001735.3(C5):c.328C>A (p.His110Asn)

Gene: C5 (complement C5; minus strand). Cytogenetic location: 9q33.2.
Variant type: single nucleotide variant.
Coding change: c.328C>A on transcript NM_001735.3 (MANE Select); coding-DNA position 328, C replaced by A.
Protein change: p.His110Asn; replaces histidine 110 with asparagine.
Molecular consequence: missense variant.
Genome position (GRCh38, 1-based): chr9:121,043,097, G>T on the plus strand (C>A on the coding strand, the complement: C5 is on the minus strand). VCF-style: chr9-121043097-G-T. GRCh37 (hg19) VCF-style: chr9-123805375-G-T.
Other names: c.328C>A (NM_001735.2); c.346C>A, p.His116Asn (NM_001317163.2); c.328C>A, p.His110Asn (NM_001317164.2); short protein forms H110N, H116N.
Identifiers: ClinVar variation 1123569 (VCV001123569.11), dbSNP rs143947726, ClinGen allele CA5218424.

ClinVar aggregate classification (germline): Likely benign. Review status: criteria provided, single submitter (1 of 4 stars). 2 submissions from 2 submitters: Likely benign (1). 1 of the submissions does not count toward it. Last evaluated 2025-11-03.

Conditions:
C5-related disorder. Also called: C5-related condition.

Allele frequency attached by ClinVar (database versions not stated): gnomAD exomes 0.00018 and 0.00036; ExAC 0.00049; 1000 Genomes Project 0.00140; gnomAD 0.00154 and 0.00166; TOPMed 0.00165; 1000 Genomes Project 30x 0.00187; ESP Exome Variant Server 0.00192.
gnomAD v4.1: 495 of 1,612,920 alleles (0.031%); highest among the groups gnomAD compares: African/African-American, 0.6%; 2 homozygotes.

Submissions (2):

Labcorp Genetics (formerly Invitae), Labcorp
Classification: Likely benign. Last evaluated: 2025-11-03. Review status: criteria provided, single submitter. Criteria: Invitae Variant Classification Sherloc (09022015). Collection method: clinical testing. Allele origin: germline.

PreventionGenetics, part of Exact Sciences
Classification: Likely benign for C5-related condition. Last evaluated: 2020-05-11. Review status: no assertion criteria provided. Collection method: clinical testing. Allele origin: germline. Not counted in ClinVar's aggregate classification.
Comment: This variant is classified as likely benign based on ACMG/AMP sequence variant interpretation guidelines (Richards et al. 2015 PMID: 25741868, with internal and published modifications).